The following is an entry in ClinVar:

ClinVar aggregate classification (germline): Uncertain significance. Review status: criteria provided, single submitter (1 of 4 stars). 2 submissions from 2 submitters: Uncertain significance (1). 1 of the submissions does not count toward it. Last evaluated 2020-01-10.

Conditions:
Usher syndrome type 1 (USH1). Also called: RETINITIS PIGMENTOSA AND CONGENITAL DEAFNESS. Identifiers: Orphanet 231169, Orphanet 886, MedGen C1568247, MONDO:0010168, OMIM 276900.

gnomAD v4.1: 6 of 1,566,168 alleles (0.00038%); highest among the groups gnomAD compares: Admixed American, 0.0038%; no homozygotes.

Submissions (2):

Labcorp Genetics (formerly Invitae), Labcorp
Classification: Uncertain significance. Last evaluated: 2020-01-10. Review status: criteria provided, single submitter. Criteria: Invitae Variant Classification Sherloc (09022015). Collection method: clinical testing. Allele origin: germline.
Comment: This sequence change replaces arginine with leucine at codon 3 of the CDH23 protein (p.Arg3Leu). The arginine residue is weakly conserved and there is a moderate physicochemical difference between arginine and leucine. In summary, the available evidence is currently insufficient to determine the role of this variant in disease. Therefore, it has been classified as a Variant of Uncertain Significance. Algorithms developed to predict the effect of missense changes on protein structure and function are either unavailable or do not agree on the potential impact of this missense change (SIFT: "Tolerated"; PolyPhen-2: "Not Available"; Align-GVGD: "Class C0"). This variant has not been reported in the literature in individuals with CDH23-related conditions. This variant is not present in population databases (ExAC no frequency).

Natera, Inc.
Classification: Uncertain significance for Usher syndrome type 1. Last evaluated: 2020-08-03. Review status: no assertion criteria provided. Collection method: clinical testing. Allele origin: germline. Not counted in ClinVar's aggregate classification.

NM_022124.6(CDH23):c.8G>T (p.Arg3Leu)

Gene: CDH23 (cadherin related 23; plus strand). Cytogenetic location: 10q22.1.
Variant type: single nucleotide variant.
Coding change: c.8G>T on transcript NM_022124.6 (MANE Select); coding-DNA position 8, G replaced by T.
Protein change: p.Arg3Leu; replaces arginine 3 with leucine.
Molecular consequence: missense variant.
Genome position (GRCh38, 1-based): chr10:71,439,839, G>T. VCF-style: chr10-71439839-G-T. GRCh37 (hg19) VCF-style: chr10-73199596-G-T.
Other names: c.8G>T, p.Arg3Leu (NM_001171930.2, NM_001171931.2, NM_001171932.2 and 1 more transcripts); short protein forms R3L.
Identifiers: ClinVar variation 1036299 (VCV001036299.10), dbSNP rs397517363, ClinGen allele CA377112509.
Genomic context (GRCh38, chr10:71,439,839, plus strand): 5'-TGCCACCCAGGAAGCTTCTCACCCTCTTCTCTTTCTTTGTGTCCCCAGGAGCCATGGGGC[G>T]CCATGTTGCCACCAGCTGCCACGTGGCCTGGCTTTTGGTGCTGATCTCTGGATGCTGGGG-3'
Protein context (NP_071407.4, residues 1-13): MG[Arg3Leu]HVATSCHVAW